The following is an entry in ClinVar:

NM_006073.4(TRDN):c.1499T>C (p.Met500Thr)

Gene: TRDN (triadin; minus strand). Cytogenetic location: 6q22.31.
Variant type: single nucleotide variant.
Coding change: c.1499T>C on transcript NM_006073.4 (MANE Select); coding-DNA position 1499, T replaced by C.
Protein change: p.Met500Thr; replaces methionine 500 with threonine.
Molecular consequence: missense variant.
Genome position (GRCh38, 1-based): chr6:123,316,468, A>G on the plus strand (T>C on the coding strand, the complement: TRDN is on the minus strand). VCF-style: chr6-123316468-A-G. GRCh37 (hg19) VCF-style: chr6-123637613-A-G.
Other names: c.1499T>C (NM_006073.2); short protein forms M500T.
Identifiers: ClinVar variation 1382695 (VCV001382695.7), dbSNP rs1233338907, ClinGen allele CA365562503.
Genomic context (GRCh38, chr6:123,316,468, plus strand): 5'-AACCAAACAGAACATCTCCTTGTATGTAAATCTTACAAAATATCCTTACCTGCTTTGGAC[A>G]TCTTTTCATCTTTTTTAGTTTCAGGTTCTGGGGCAAAACGTACACATAAACACGTACAAA-3'
Protein context (NP_006064.2, residues 490-510): KEPETKKDEK[Met500Thr]SKAGKEVKPK

ClinVar aggregate classification (germline): Uncertain significance. Review status: criteria provided, multiple submitters, no conflicts (2 of 4 stars). 2 submissions from 2 submitters: Uncertain significance (2). Last evaluated 2022-08-17.

Conditions:
Cardiovascular phenotype. Identifiers: MedGen CN230736.
Catecholaminergic polymorphic ventricular tachycardia 1. Also called: RYR2-Related Catecholaminergic Polymorphic Ventricular Tachycardia; VENTRICULAR TACHYCARDIA, CATECHOLAMINERGIC POLYMORPHIC, 1, WITH OR WITHOUT ATRIAL DYSFUNCTION AND/OR DILATED CARDIOMYOPATHY; VENTRICULAR TACHYCARDIA, STRESS-INDUCED POLYMORPHIC 1. Identifiers: Orphanet 3286, MedGen C1631597, MONDO:0011484, OMIM 604772.

Allele frequency attached by ClinVar (database versions not stated): gnomAD exomes below 0.00001; gnomAD 0.00001.

Submissions (2):

Ambry Genetics
Classification: Uncertain significance for Cardiovascular phenotype. Last evaluated: 2022-08-17. Review status: criteria provided, single submitter. Criteria: Ambry Variant Classification Scheme 2023. Collection method: clinical testing. Allele origin: germline.

Labcorp Genetics (formerly Invitae), Labcorp
Classification: Uncertain significance for Catecholaminergic polymorphic ventricular tachycardia 1. Last evaluated: 2022-08-09. Review status: criteria provided, single submitter. Criteria: Invitae Variant Classification Sherloc (09022015). Collection method: clinical testing. Allele origin: germline.
Comment: This sequence change replaces methionine, which is neutral and non-polar, with threonine, which is neutral and polar, at codon 500 of the TRDN protein (p.Met500Thr). This variant is present in population databases (no rsID available, gnomAD 0.003%). This variant has not been reported in the literature in individuals affected with TRDN-related conditions. ClinVar contains an entry for this variant (Variation ID: 1382695). Algorithms developed to predict the effect of missense changes on protein structure and function output the following: SIFT: "Tolerated"; PolyPhen-2: "Benign"; Align-GVGD: "Class C0". The threonine amino acid residue is found in multiple mammalian species, which suggests that this missense change does not adversely affect protein function. In summary, the available evidence is currently insufficient to determine the role of this variant in disease. Therefore, it has been classified as a Variant of Uncertain Significance.